The following is an entry in ClinVar:

ClinVar aggregate classification (germline): Uncertain significance (1 of 4 stars; one submission).

Conditions:
PRPH2-related disorder. Also called: PRPH2-related condition; PRPH2-related disorders. Identifiers: MedGen CN239395.

gnomAD v4.1: 3 of 1,613,930 alleles (0.00019%); highest among the groups gnomAD compares: African/African-American, 0.004%; no homozygotes.

Submission:

PreventionGenetics, part of Exact Sciences
Classification: Uncertain significance for PRPH2-related condition. Last evaluated: 2026-05-29. Review status: criteria provided, single submitter. Criteria: ACMG Guidelines, 2015. Collection method: clinical testing. Allele origin: germline.
Comment: The PRPH2 c.30G>T variant is predicted to result in the amino acid substitution p.Gln10His. To our knowledge, this variant has not been reported in the literature. This variant is reported in 0.0080% of alleles in individuals of African descent in gnomAD. At this time, the clinical significance of this variant is uncertain due to the absence of conclusive functional and genetic evidence.

NM_000322.5(PRPH2):c.30G>T (p.Gln10His)

Gene: PRPH2 (peripherin 2; minus strand). Cytogenetic location: 6p21.1.
Variant type: single nucleotide variant.
Coding change: c.30G>T on transcript NM_000322.5 (MANE Select); coding-DNA position 30, G replaced by T.
Protein change: p.Gln10His; replaces glutamine 10 with histidine.
Molecular consequence: missense variant.
Genome position (GRCh38, 1-based): chr6:42,722,305, C>A on the plus strand (G>T on the coding strand, the complement: PRPH2 is on the minus strand). VCF-style: chr6-42722305-C-A. GRCh37 (hg19) VCF-style: chr6-42690043-C-A.
Other names: short protein forms Q10H.
Identifiers: ClinVar variation 4977184 (VCV004977184.1).